The following is an entry in ClinVar:

NM_000051.4(ATM):c.7438C>T (p.His2480Tyr)

Genes: ATM (ATM serine/threonine kinase; plus strand), C11orf65 (chromosome 11 open reading frame 65; minus strand). Cytogenetic location: 11q22.3.
Variant type: single nucleotide variant.
Coding change: c.7438C>T on transcript NM_000051.4 (MANE Select); coding-DNA position 7438, C replaced by T.
Protein change: p.His2480Tyr; replaces histidine 2480 with tyrosine.
Molecular consequence: missense variant. On other transcripts: intron variant (2).
Genome position (GRCh38, 1-based): chr11:108,330,344, C>T. VCF-style: chr11-108330344-C-T. GRCh37 (hg19) VCF-style: chr11-108201071-C-T.
Other names: c.7438C>T, p.His2480Tyr (NM_001351834.2); c.641-21273G>A (NM_001330368.2); c.*38+4876G>A (NM_001351110.2); short protein forms H2480Y.
Identifiers: ClinVar variation 964783 (VCV000964783.12), dbSNP rs1029740910, ClinGen allele CA228418100.
Genomic context (GRCh38, chr11:108,330,344, plus strand): 5'-AAACGCTTCTTATGTAAAGCAGTTGAAAATTATATCAACTGCTTATTAAGTGGAGAAGAA[C>T]ATGATATGTGGGTATTCCGACTTTGTTCCCTCTGGCTTGAAAATTCTGGAGTTTCTGAAG-3'
Protein context (NP_000042.3, residues 2470-2490): YINCLLSGEE[His2480Tyr]DMWVFRLCSL

ClinVar aggregate classification (germline): Uncertain significance. Review status: criteria provided, multiple submitters, no conflicts (2 of 4 stars). 2 submissions from 2 submitters: Uncertain significance (2). Last evaluated 2021-04-05.

Conditions:
Hereditary cancer-predisposing syndrome. Also called: Tumor predisposition; Neoplastic Syndromes, Hereditary; Hereditary neoplastic syndrome; Hereditary Cancer Syndrome. Identifiers: Orphanet 140162, MedGen C0027672, MeSH D009386, MONDO:0015356.
Ataxia-telangiectasia syndrome (AT). Also called: Ataxia-telangiectasia, complementation group D; AT, COMPLEMENTATION GROUP C; ATAXIA-TELANGIECTASIA, COMPLEMENTATION GROUP A; ATAXIA-TELANGIECTASIA, FRESNO VARIANT; Ataxia-telangiectasia; Ataxia telangiectasia (A-T). Identifiers: Orphanet 100, MedGen C0004135, MONDO:0008840, OMIM 208900.

Allele frequency attached by ClinVar (database versions not stated): TOPMed below 0.00001.

Submissions (2):

Labcorp Genetics (formerly Invitae), Labcorp
Classification: Uncertain significance for Ataxia-telangiectasia syndrome. Last evaluated: 2021-04-05. Review status: criteria provided, single submitter. Criteria: Invitae Variant Classification Sherloc (09022015). Collection method: clinical testing. Allele origin: germline.
Comment: In summary, the available evidence is currently insufficient to determine the role of this variant in disease. Therefore, it has been classified as a Variant of Uncertain Significance. Algorithms developed to predict the effect of missense changes on protein structure and function (SIFT, PolyPhen-2, Align-GVGD) all suggest that this variant is likely to be tolerated, but these predictions have not been confirmed by published functional studies and their clinical significance is uncertain. This variant has not been reported in the literature in individuals with ATM-related conditions. This variant is not present in population databases (ExAC no frequency). This sequence change replaces histidine with tyrosine at codon 2480 of the ATM protein (p.His2480Tyr). The histidine residue is moderately conserved and there is a moderate physicochemical difference between histidine and tyrosine.

Ambry Genetics
Classification: Uncertain significance for Hereditary cancer-predisposing syndrome. Last evaluated: 2021-02-25. Review status: criteria provided, single submitter. Criteria: Ambry Variant Classification Scheme 2023. Collection method: clinical testing. Allele origin: germline.
Comment: The p.H2480Y variant (also known as c.7438C>T), located in coding exon 49 of the ATM gene, results from a C to T substitution at nucleotide position 7438. The histidine at codon 2480 is replaced by tyrosine, an amino acid with similar properties. This amino acid position is highly conserved in available vertebrate species. In addition, the in silico prediction for this alteration is inconclusive. Since supporting evidence is limited at this time, the clinical significance of this alteration remains unclear.